The following is an entry in ClinVar:

ClinVar aggregate classification (germline): Likely pathogenic (1 of 4 stars; one submission).

Conditions:
Refsum disease, classic. Also called: PHYH-Related Refsum Disease; HEREDOPATHIA ATACTICA POLYNEURITIFORMIS; HMSN IV; PHYTANIC ACID OXIDASE DEFICIENCY. Identifiers: Orphanet 773, MedGen C5780941, MONDO:1060256, OMIM 266500. Disease mechanism: loss of function.

Submission:

Myriad Genetics, Inc.
Classification: Likely pathogenic for Refsum disease, classic. Last evaluated: 2022-03-03. Review status: criteria provided, single submitter. Criteria: Myriad Women's Health Autosomal Recessive and X-Linked Classification Criteria (2021). Collection method: clinical testing. Allele origin: unknown.
Comment: NM_006214.3(PHYH):c.684delA(V229Lfs*21) is expected to be pathogenic in the context of PHYH-related refsum disease. This variant is predicted to lead to an abnormal or absent protein product due to the creation of a premature termination codon in PHYH, a gene where loss-of-function variants are known to be pathogenic. Please note: this variant was assessed in the context of healthy population screening.

NM_006214.4(PHYH):c.684del (p.Val229fs)

Gene: PHYH (phytanoyl-CoA 2-hydroxylase; minus strand). Cytogenetic location: 10p13.
Variant type: Deletion.
Coding change: c.684del on transcript NM_006214.4 (MANE Select); coding-DNA position 684, one base deleted (A; older notation c.684delA).
Protein change: p.Val229fs; shifts the reading frame from valine 229.
Molecular consequence: frameshift variant.
Genome position (GRCh38, 1-based): chr10:13,283,834, T deleted on the plus strand (A on the coding strand, the reverse complement: PHYH is on the minus strand). VCF-style (leftmost placement, unchanged base first): chr10-13283833-CT-C. GRCh37 (hg19) VCF-style: chr10-13325833-CT-C.
Other names: c.384del, p.Val129fs (NM_001037537.2, NM_001323080.2); c.690del, p.Val231fs (NM_001323082.2); c.420del, p.Val141fs (NM_001323083.2); c.390del, p.Val131fs (NM_001323084.2); short protein forms V129fs, V131fs, V141fs, V229fs, V231fs.
Identifiers: ClinVar variation 1724932 (VCV001724932.2), dbSNP rs2538635262, ClinGen allele CA2580081344.